The following is an entry in ClinVar:

ClinVar aggregate classification (germline): Uncertain significance (1 of 4 stars; one submission).

Conditions:
DICER1-related tumor predisposition. Also called: DICER1 syndrome; DICER1-related pleuropulmonary blastoma cancer predisposition syndrome. Identifiers: Orphanet 284343, MedGen C3839822, MONDO:0100216.

Submission:

Labcorp Genetics (formerly Invitae), Labcorp
Classification: Uncertain significance for DICER1-related tumor predisposition. Last evaluated: 2023-07-05. Review status: criteria provided, single submitter. Criteria: Invitae Variant Classification Sherloc (09022015). Collection method: clinical testing. Allele origin: germline.
Comment: In summary, the available evidence is currently insufficient to determine the role of this variant in disease. Therefore, it has been classified as a Variant of Uncertain Significance. An algorithm developed to predict the effect of missense changes on protein structure and function (PolyPhen-2) suggests that this variant is likely to be disruptive. ClinVar contains an entry for this variant (Variation ID: 1347732). This variant has not been reported in the literature in individuals affected with DICER1-related conditions. This variant is not present in population databases (gnomAD no frequency). This sequence change replaces lysine, which is basic and polar, with threonine, which is neutral and polar, at codon 584 of the DICER1 protein (p.Lys584Thr).

NM_177438.3(DICER1):c.1751A>C (p.Lys584Thr)

Gene: DICER1 (dicer 1, ribonuclease III; minus strand). Cytogenetic location: 14q32.13.
Variant type: single nucleotide variant.
Coding change: c.1751A>C on transcript NM_177438.3 (MANE Select); coding-DNA position 1751, A replaced by C.
Protein change: p.Lys584Thr; replaces lysine 584 with threonine.
Molecular consequence: missense variant.
Genome position (GRCh38, 1-based): chr14:95,116,454, T>G on the plus strand (A>C on the coding strand, the complement: DICER1 is on the minus strand). VCF-style: chr14-95116454-T-G. GRCh37 (hg19) VCF-style: chr14-95582791-T-G.
Other names: c.1751A>C, p.Lys584Thr (NM_001195573.1, NM_001271282.3, NM_001291628.2 and 1 more transcripts); short protein forms K584T.
Identifiers: ClinVar variation 1347732 (VCV001347732.9), dbSNP rs2140122626, ClinGen allele CA390884644.